The following is an entry in ClinVar:

NM_002432.3(MNDA):c.1040C>T (p.Ser347Phe)

Gene: MNDA (myeloid cell nuclear differentiation antigen; plus strand). Cytogenetic location: 1q23.1.
Variant type: single nucleotide variant.
Coding change: c.1040C>T on transcript NM_002432.3 (MANE Select); coding-DNA position 1040, C replaced by T.
Protein change: p.Ser347Phe; replaces serine 347 with phenylalanine.
Molecular consequence: missense variant.
Genome position (GRCh38, 1-based): chr1:158,847,780, C>T. VCF-style: chr1-158847780-C-T. GRCh37 (hg19) VCF-style: chr1-158817570-C-T.
Other names: short protein forms S347F.
Identifiers: ClinVar variation 1773964 (VCV001773964.3), dbSNP rs914856154, ClinGen allele CA31307882.

ClinVar aggregate classification (germline): Uncertain significance (1 of 4 stars; one submission).

Allele frequency attached by ClinVar (database versions not stated): gnomAD 0.00001.
gnomAD v4.1: 12 of 1,613,712 alleles (0.00074%); highest among the groups gnomAD compares: Admixed American, 0.015%; no homozygotes.

Submission:

Ambry Genetics
Classification: Uncertain significance. Last evaluated: 2023-08-25. Review status: criteria provided, single submitter. Criteria: Ambry Variant Classification Scheme 2023. Collection method: clinical testing. Allele origin: germline.
Comment: The p.S347F variant (also known as c.1040C>T), located in coding exon 5 of the MNDA gene, results from a C to T substitution at nucleotide position 1040. The serine at codon 347 is replaced by phenylalanine, an amino acid with highly dissimilar properties. This amino acid position is conserved. In addition, this alteration is predicted to be tolerated by in silico analysis. Since supporting evidence is limited at this time, the clinical significance of this alteration remains unclear.